The following is an entry in ClinVar:

ClinVar aggregate classification (germline): Likely pathogenic (1 of 4 stars; one submission).

Conditions:
Primary ciliary dyskinesia. Also called: Ciliary dyskinesia. Identifiers: Orphanet 244, MedGen C0008780, MONDO:0016575, HP:0012265.

gnomAD v4.1: 1 of 1,590,000 alleles (0.000063%); highest among the groups gnomAD compares: Non-Finnish European, 0.000086%; no homozygotes.

Submission:

Labcorp Genetics (formerly Invitae), Labcorp
Classification: Likely pathogenic for Primary ciliary dyskinesia. Last evaluated: 2023-09-23. Review status: criteria provided, single submitter. Criteria: Invitae Variant Classification Sherloc (09022015). Collection method: clinical testing. Allele origin: germline.
Comment: This sequence change affects a donor splice site in intron 23 of the DNAH11 gene. It is expected to disrupt RNA splicing. Variants that disrupt the donor or acceptor splice site typically lead to a loss of protein function (PMID: 16199547), and loss-of-function variants in DNAH11 are known to be pathogenic (PMID: 18022865, 20513915, 22184204). This variant is not present in population databases (gnomAD no frequency). Disruption of this splice site has been observed in individual(s) with clinical features of primary ciliary dyskinesia (Invitae). ClinVar contains an entry for this variant (Variation ID: 1067390). Algorithms developed to predict the effect of sequence changes on RNA splicing suggest that this variant may disrupt the consensus splice site. In summary, the currently available evidence indicates that the variant is pathogenic, but additional data are needed to prove that conclusively. Therefore, this variant has been classified as Likely Pathogenic.

Literature cited by the submitters: PubMed 16199547; PubMed 18022865; PubMed 20513915; PubMed 22184204.

NM_001277115.2(DNAH11):c.4254+1G>A

Gene: DNAH11 (dynein axonemal heavy chain 11; plus strand). Cytogenetic location: 7p15.3.
Variant type: single nucleotide variant.
Coding change: c.4254+1G>A on transcript NM_001277115.2 (MANE Select); the canonical splice donor site of the intron after coding-DNA position 4254, G replaced by A.
Molecular consequence: splice donor variant.
Genome position (GRCh38, 1-based): chr7:21,617,778, G>A. VCF-style: chr7-21617778-G-A. GRCh37 (hg19) VCF-style: chr7-21657396-G-A.
Identifiers: ClinVar variation 1067390 (VCV001067390.7), dbSNP rs2128453160, ClinGen allele CA366952472.